The following is an entry in ClinVar:

NM_018389.5(SLC35C1):c.1025G>T (p.Gly342Val)

Gene: SLC35C1 (solute carrier family 35 member C1; plus strand). Cytogenetic location: 11p11.2.
Variant type: single nucleotide variant.
Coding change: c.1025G>T on transcript NM_018389.5 (MANE Select); coding-DNA position 1025, G replaced by T.
Protein change: p.Gly342Val; replaces glycine 342 with valine.
Molecular consequence: missense variant.
Genome position (GRCh38, 1-based): chr11:45,811,265, G>T. VCF-style: chr11-45811265-G-T. GRCh37 (hg19) VCF-style: chr11-45832816-G-T.
Other names: c.986G>T, p.Gly329Val (NM_001145265.2, NM_001145266.2); short protein forms G342V, G329V.
Identifiers: ClinVar variation 647679 (VCV000647679.9), dbSNP rs377292146, ClinGen allele CA5958382.

ClinVar aggregate classification (germline): Uncertain significance. Review status: criteria provided, multiple submitters, no conflicts (2 of 4 stars). 2 submissions from 2 submitters: Uncertain significance (2). Last evaluated 2025-11-03.

Conditions:
Leukocyte adhesion deficiency type II. Also called: CDG IIc; CONGENITAL DISORDER OF GLYCOSYLATION, TYPE IIc; Congenital disorder of glycosylation type 2C; CDG 2C; Leukocyte adhesion deficiency type 2; Rambam Hasharon syndrome. Identifiers: Orphanet 2968, Orphanet 99843, MedGen C0398739, MONDO:0009953, OMIM 266265.
Inborn genetic diseases. Identifiers: MedGen C0950123, MeSH D030342.

Allele frequency attached by ClinVar (database versions not stated): ExAC 0.00002; gnomAD exomes 0.00004; TOPMed 0.00005; gnomAD 0.00006; ESP Exome Variant Server 0.00008.
gnomAD v4.1: 232 of 1,585,124 alleles (0.015%); highest among the groups gnomAD compares: Non-Finnish European, 0.019%; 1 homozygote.

Submissions (2):

Labcorp Genetics (formerly Invitae), Labcorp
Classification: Uncertain significance for Leukocyte adhesion deficiency type II. Last evaluated: 2025-11-03. Review status: criteria provided, single submitter. Criteria: Invitae Variant Classification Sherloc (09022015). Collection method: clinical testing. Allele origin: germline.
Comment: This sequence change replaces glycine, which is neutral and non-polar, with valine, which is neutral and non-polar, at codon 342 of the SLC35C1 protein (p.Gly342Val). This variant is present in population databases (rs377292146, gnomAD 0.008%). This variant has not been reported in the literature in individuals affected with SLC35C1-related conditions. ClinVar contains an entry for this variant (Variation ID: 647679). Invitae Evidence Modeling of protein sequence and biophysical properties (such as structural, functional, and spatial information, amino acid conservation, physicochemical variation, residue mobility, and thermodynamic stability) indicates that this missense variant is not expected to disrupt SLC35C1 protein function with a negative predictive value of 80%. In summary, the available evidence is currently insufficient to determine the role of this variant in disease. Therefore, it has been classified as a Variant of Uncertain Significance.

Ambry Genetics
Classification: Uncertain significance for Inborn genetic diseases. Last evaluated: 2025-08-12. Review status: criteria provided, single submitter. Criteria: Ambry Variant Classification Scheme 2023. Collection method: clinical testing. Allele origin: germline.